The following is an entry in ClinVar:

NM_000092.5(COL4A4):c.2165-4A>G

Gene: COL4A4 (collagen type IV alpha 4 chain; minus strand). Cytogenetic location: 2q36.3.
Variant type: single nucleotide variant.
Coding change: c.2165-4A>G on transcript NM_000092.5 (MANE Select); 4 bases into the intron before coding-DNA position 2165, A replaced by G.
Molecular consequence: intron variant.
Genome position (GRCh38, 1-based): chr2:227,059,627, T>C on the plus strand (A>G on the coding strand, the complement: COL4A4 is on the minus strand). VCF-style: chr2-227059627-T-C. GRCh37 (hg19) VCF-style: chr2-227924343-T-C.
Identifiers: ClinVar variation 1403260 (VCV001403260.7), dbSNP rs776551903, ClinGen allele CA2144868.
Genomic context (GRCh38, chr2:227,059,627, plus strand): 5'-CAGGGGAGGACCCCTTTTCACCTCCAAAACCCGGATCTCCCATGTCACCACGAAAACCTA[T>C]TTAACAACAAAAAAAAATTTTTAATGATAACATGTGCAAGTATAGAACCAATACATATAA-3'

ClinVar aggregate classification (germline): Uncertain significance (1 of 4 stars; one submission).

Allele frequency attached by ClinVar (database versions not stated): gnomAD exomes below 0.00001; ExAC 0.00001.
gnomAD v4.1: 1 of 1,612,214 alleles (0.000062%); highest among the groups gnomAD compares: Non-Finnish European, 0.000085%; no homozygotes.

Submission:

Labcorp Genetics (formerly Invitae), Labcorp
Classification: Uncertain significance. Last evaluated: 2022-11-29. Review status: criteria provided, single submitter. Criteria: Invitae Variant Classification Sherloc (09022015). Collection method: clinical testing. Allele origin: germline.
Comment: This variant is present in population databases (rs776551903, gnomAD 0.0009%). In summary, the available evidence is currently insufficient to determine the role of this variant in disease. Therefore, it has been classified as a Variant of Uncertain Significance. Algorithms developed to predict the effect of sequence changes on RNA splicing suggest that this variant may create or strengthen a splice site. ClinVar contains an entry for this variant (Variation ID: 1403260). This variant has not been reported in the literature in individuals affected with COL4A4-related conditions. This sequence change falls in intron 27 of the COL4A4 gene. It does not directly change the encoded amino acid sequence of the COL4A4 protein.